The following is an entry in ClinVar:

NM_000103.4(CYP19A1):c.1404T>C (p.Val468=)

Genes: CYP19A1 (cytochrome P450 family 19 subfamily A member 1; minus strand), MIR4713HG (MIR4713 host gene; plus strand), PIRC66 (piwi-interacting RNA cluster 66; plus strand). Cytogenetic location: 15q21.2.
Variant type: single nucleotide variant.
Coding change: c.1404T>C on transcript NM_000103.4 (MANE Select); coding-DNA position 1404, T replaced by C.
Protein change: p.Val468=; no amino-acid change (valine 468 retained).
Molecular consequence: synonymous variant.
Genome position (GRCh38, 1-based): chr15:51,210,916, A>G on the plus strand (T>C on the coding strand, the complement: CYP19A1 is on the minus strand). VCF-style: chr15-51210916-A-G. GRCh37 (hg19) VCF-style: chr15-51503113-A-G.
Other names: c.1404T>C, p.Val468= (NM_001347248.1, NM_001347249.2, NM_001347250.2 and 7 more transcripts).
Identifiers: ClinVar variation 1122428 (VCV001122428.27), dbSNP rs777484912, ClinGen allele CA490354125.
Genomic context (GRCh38, chr15:51,210,916, plus strand): 5'-CAGCATGTTTTTAGTCTCATCTGGGTGCAAGGACAAGTCGTGTATCTTCTGTATGCTCTC[A>G]ACACACTGTCCTTGCAATGTCTTCACGTGGAATCGTCTCAGAAGTGTAACGAGGATGGCT-3'
Protein context (NP_000094.2, residues 458-478): FHVKTLQGQC[Val468=]ESIQKIHDLS

ClinVar aggregate classification (germline): Likely benign. Review status: criteria provided, multiple submitters, no conflicts (2 of 4 stars). 2 submissions from 2 submitters: Likely benign (2). Last evaluated 2024-06-01.

Allele frequency attached by ClinVar (database versions not stated): TOPMed below 0.00001.
gnomAD v4.1: 1 of 1,605,620 alleles (0.000062%); no homozygotes.

Submissions (2):

CeGaT Center for Human Genetics Tuebingen
Classification: Likely benign. Last evaluated: 2024-06-01. Review status: criteria provided, single submitter. Criteria: CeGaT Center For Human Genetics Tuebingen Variant Classification Criteria Version 2. Collection method: clinical testing. Allele origin: germline. Affected: yes. Observed: 1 variant allele.
Comment: CYP19A1: PM2:Supporting, BP4, BP7

Labcorp Genetics (formerly Invitae), Labcorp
Classification: Likely benign. Last evaluated: 2022-06-13. Review status: criteria provided, single submitter. Criteria: Invitae Variant Classification Sherloc (09022015). Collection method: clinical testing. Allele origin: germline.